The following is an entry in ClinVar:

NM_017780.4(CHD7):c.7882C>T (p.His2628Tyr)

Gene: CHD7 (chromodomain helicase DNA binding protein 7; plus strand). Cytogenetic location: 8q12.2.
Variant type: single nucleotide variant.
Coding change: c.7882C>T on transcript NM_017780.4 (MANE Select); coding-DNA position 7882, C replaced by T.
Protein change: p.His2628Tyr; replaces histidine 2628 with tyrosine.
Molecular consequence: missense variant.
Genome position (GRCh38, 1-based): chr8:60,862,247, C>T. VCF-style: chr8-60862247-C-T. GRCh37 (hg19) VCF-style: chr8-61774806-C-T.
Other names: c.1735C>T, p.His579Tyr (NM_001316690.1); short protein forms H2628Y, H579Y.
Identifiers: ClinVar variation 4746309 (VCV004746309.1).

ClinVar aggregate classification (germline): Uncertain significance (1 of 4 stars; one submission).

Conditions:
CHARGE syndrome (CHARGE). Also called: Hittner Hirsch Kreh syndrome; CHARGE ASSOCIATION--COLOBOMA, HEART ANOMALY, CHOANAL ATRESIA, RETARDATION, GENITAL AND EAR ANOMALIES; Coloboma, heart anomaly, choanal atresia, retardation, genital and ear anomalies; CHARGE association; Hall-Hittner syndrome. Identifiers: Orphanet 138, MedGen C0265354, MONDO:0008965.

Submission:

Labcorp Genetics (formerly Invitae), Labcorp
Classification: Uncertain significance for CHARGE syndrome. Last evaluated: 2025-07-28. Review status: criteria provided, single submitter. Criteria: Invitae Variant Classification Sherloc (09022015). Collection method: clinical testing. Allele origin: germline.
Comment: This sequence change replaces histidine, which is basic and polar, with tyrosine, which is neutral and polar, at codon 2628 of the CHD7 protein (p.His2628Tyr). This variant is not present in population databases (gnomAD no frequency). This variant has not been reported in the literature in individuals affected with CHD7-related conditions. Invitae Evidence Modeling of protein sequence and biophysical properties (such as structural, functional, and spatial information, amino acid conservation, physicochemical variation, residue mobility, and thermodynamic stability) indicates that this missense variant is expected to disrupt CHD7 protein function with a positive predictive value of 95%. In summary, the available evidence is currently insufficient to determine the role of this variant in disease. Therefore, it has been classified as a Variant of Uncertain Significance.